The following is an entry in ClinVar:

NM_000260.4(MYO7A):c.2019del (p.Ile674fs)

Gene: MYO7A (myosin VIIA; plus strand). Cytogenetic location: 11q13.5.
Variant type: Deletion.
Coding change: c.2019del on transcript NM_000260.4 (MANE Select); coding-DNA position 2019, one base deleted (C; older notation c.2019delC).
Protein change: p.Ile674fs; shifts the reading frame from isoleucine 674.
Molecular consequence: frameshift variant.
Genome position (GRCh38, 1-based): chr11:77,174,839, C deleted; the last of 4 consecutive C bases (chr11:77,174,836-77,174,839); deleting any one gives the same sequence. VCF-style (leftmost placement, unchanged base first): chr11-77174835-AC-A. GRCh37 (hg19) VCF-style: chr11-76885881-AC-A.
Other names: c.2019del, p.Ile674fs (NM_001127180.2); c.1986del, p.Ile663fs (NM_001369365.1); short protein forms I674fs, I663fs.
Identifiers: ClinVar variation 839872 (VCV000839872.8), dbSNP rs1261771810, ClinGen allele CA680376819.

ClinVar aggregate classification (germline): Pathogenic/Likely pathogenic. Review status: criteria provided, multiple submitters, no conflicts (2 of 4 stars). 2 submissions from 2 submitters: Pathogenic (1); Likely pathogenic (1). Last evaluated 2025-02-13.

Conditions:
Usher syndrome type 1B (USH1B). Also called: Usher syndrome type IB. Identifiers: MedGen C1848638, MONDO:0700087.

Submissions (2):

Natera, Inc.
Classification: Likely pathogenic for Usher syndrome type 1B. Last evaluated: 2025-02-13. Review status: criteria provided, single submitter. Criteria: Natera Variant Classification Schema (03/2026). Collection method: clinical testing. Allele origin: germline.
Comment: The c.2019del variant in MYO7A is a frameshift variant predicted to shift the reading frame beginning at codon 674 and leads to a stop codon 6 codons downstream. This variant is expected to result in nonsense mediated decay, truncation, or a dysfunctional protein product. This variant is rare in the general population with a frequency below the threshold expected for the associated phenotype(s). Given the available evidence, this variant is classified as Likely Pathogenic.

Labcorp Genetics (formerly Invitae), Labcorp
Classification: Pathogenic. Last evaluated: 2022-02-24. Review status: criteria provided, single submitter. Criteria: Invitae Variant Classification Sherloc (09022015). Collection method: clinical testing. Allele origin: germline.
Comment: ClinVar contains an entry for this variant (Variation ID: 839872). This variant has not been reported in the literature in individuals affected with MYO7A-related conditions. This variant is not present in population databases (gnomAD no frequency). This sequence change creates a premature translational stop signal (p.Ile674Serfs*6) in the MYO7A gene. It is expected to result in an absent or disrupted protein product. Loss-of-function variants in MYO7A are known to be pathogenic (PMID: 8900236, 25404053). For these reasons, this variant has been classified as Pathogenic.

Literature cited by the submitters: PubMed 8900236 (cited by Labcorp Genetics (formerly Invitae), Labcorp); PubMed 25404053 (cited by Labcorp Genetics (formerly Invitae), Labcorp).